The following is an entry in ClinVar:

NM_000038.6(APC):c.2016T>C (p.His672=)

Gene: APC (APC regulator of Wnt signaling pathway; plus strand). Cytogenetic location: 5q22.2.
Variant type: single nucleotide variant.
Coding change: c.2016T>C on transcript NM_000038.6 (MANE Select); coding-DNA position 2016, T replaced by C.
Protein change: p.His672=; no amino-acid change (histidine 672 retained).
Molecular consequence: synonymous variant.
Genome position (GRCh38, 1-based): chr5:112,837,610, T>C. VCF-style: chr5-112837610-T-C. GRCh37 (hg19) VCF-style: chr5-112173307-T-C.
Other names: c.2016T>C, p.His672= (NM_001127510.3, NM_001354895.2); c.1962T>C, p.His654= (NM_001127511.3); c.2070T>C, p.His690= (NM_001354896.2); c.2046T>C, p.His682= (NM_001354897.2); c.1941T>C, p.His647= (NM_001354898.2); c.1932T>C, p.His644= (NM_001354899.2); c.1893T>C, p.His631= (NM_001354900.2); c.1839T>C, p.His613= (NM_001354901.2); and 5 more.
Identifiers: ClinVar variation 490235 (VCV000490235.16), dbSNP rs1554083892, ClinGen allele CA445963327.

ClinVar aggregate classification (germline): Benign/Likely benign. Review status: criteria provided, multiple submitters, no conflicts (2 of 4 stars). 4 submissions from 4 submitters: Benign (1); Likely benign (3). Last evaluated 2025-12-01.

Conditions:
Familial adenomatous polyposis 1 (FAP1). Also called: POLYPOSIS, ADENOMATOUS INTESTINAL; FAMILIAL ADENOMATOUS POLYPOSIS 1, ATTENUATED. Identifiers: MedGen C2713442, MONDO:0021056, OMIM 175100. Disease mechanism: loss of function.
Hereditary cancer-predisposing syndrome. Also called: Hereditary Cancer Syndrome; Neoplastic Syndromes, Hereditary; Tumor predisposition; Hereditary neoplastic syndrome. Identifiers: Orphanet 140162, MedGen C0027672, MeSH D009386, MONDO:0015356.

Allele frequency attached by ClinVar (database versions not stated): gnomAD exomes below 0.00001.
gnomAD v4.1: 4 of 1,612,238 alleles (0.00025%); highest among the groups gnomAD compares: African/African-American, 0.0053%; no homozygotes.

Submissions (4):

Labcorp Genetics (formerly Invitae), Labcorp
Classification: Likely benign for Familial adenomatous polyposis 1. Last evaluated: 2025-12-01. Review status: criteria provided, single submitter. Criteria: Invitae Variant Classification Sherloc (09022015). Collection method: clinical testing. Allele origin: germline.

Myriad Genetics, Inc.
Classification: Benign for Familial adenomatous polyposis 1. Last evaluated: 2024-03-08. Review status: criteria provided, single submitter. Criteria: Myriad Autosomal Dominant, Autosomal Recessive and X-Linked Classification Criteria (2023). Collection method: clinical testing. Allele origin: unknown.
Comment: This variant is considered benign. This variant is a silent/synonymous amino acid change and it is not expected to impact splicing.

Ambry Genetics
Classification: Likely benign for Hereditary cancer-predisposing syndrome. Last evaluated: 2018-11-15. Review status: criteria provided, single submitter. Criteria: Ambry Variant Classification Scheme 2023. Collection method: clinical testing. Allele origin: germline.

Color Diagnostics, LLC DBA Color Health
Classification: Likely benign for Hereditary cancer-predisposing syndrome. Last evaluated: 2017-07-19. Review status: criteria provided, single submitter. Criteria: ACMG Guidelines, 2015. Collection method: clinical testing. Allele origin: germline.